The following is an entry in ClinVar:

NM_138713.4(NFAT5):c.1019A>G (p.Asn340Ser)

Gene: NFAT5 (nuclear factor of activated T cells 5; plus strand). Cytogenetic location: 16q22.1.
Variant type: single nucleotide variant.
Coding change: c.1019A>G on transcript NM_138713.4 (MANE Select); coding-DNA position 1019, A replaced by G.
Protein change: p.Asn340Ser; replaces asparagine 340 with serine.
Molecular consequence: missense variant.
Genome position (GRCh38, 1-based): chr16:69,655,622, A>G. VCF-style: chr16-69655622-A-G. GRCh37 (hg19) VCF-style: chr16-69689525-A-G.
Other names: c.1019A>G, p.Asn340Ser (NM_001113178.3); c.347A>G, p.Asn116Ser (NM_001367709.1); c.965A>G, p.Asn322Ser (NM_006599.4); c.737A>G, p.Asn246Ser (NM_138714.4, NM_173214.3, NM_173215.3); short protein forms N246S, N116S, N340S, N322S.
Identifiers: ClinVar variation 3017981 (VCV003017981.3), dbSNP rs753689210, ClinGen allele CA8135459.
Genomic context (GRCh38, chr16:69,655,622, plus strand): 5'-ATTTGAAATACTAATTAGTGTTTCTGTTGCATGTTTTCTGGTTTCAGCTGGAAGGCCATA[A>G]TGAACCTGTAGTGTTGCAAGTGTTTGTGGGCAACGACTCTGGACGAGTGAAACCACATGG-3'
Protein context (NP_619727.2, residues 330-350): GFPTVKLEGH[Asn340Ser]EPVVLQVFVG

ClinVar aggregate classification (germline): Uncertain significance (1 of 4 stars; one submission).

Conditions:
Immunodeficiency. Identifiers: MedGen C0021051, MONDO:0021094, HP:0002721.

Allele frequency attached by ClinVar (database versions not stated): gnomAD exomes below 0.00001; ExAC 0.00001; gnomAD 0.00001.
gnomAD v4.1: 6 of 1,594,914 alleles (0.00038%); highest among the groups gnomAD compares: East Asian, 0.0023%; no homozygotes.

Submission:

Labcorp Genetics (formerly Invitae), Labcorp
Classification: Uncertain significance for Immunodeficiency. Last evaluated: 2023-06-17. Review status: criteria provided, single submitter. Criteria: Invitae Variant Classification Sherloc (09022015). Collection method: clinical testing. Allele origin: germline.
Comment: This sequence change replaces asparagine, which is neutral and polar, with serine, which is neutral and polar, at codon 246 of the NFAT5 protein (p.Asn246Ser). This variant is present in population databases (rs753689210, gnomAD 0.0009%). This variant has not been reported in the literature in individuals affected with NFAT5-related conditions. An algorithm developed to predict the effect of missense changes on protein structure and function (PolyPhen-2) suggests that this variant is likely to be disruptive. In summary, the available evidence is currently insufficient to determine the role of this variant in disease. Therefore, it has been classified as a Variant of Uncertain Significance.